The following is an entry in ClinVar:

ClinVar aggregate classification (germline): Likely benign. Review status: criteria provided, multiple submitters, no conflicts (2 of 4 stars). 2 submissions from 2 submitters: Likely benign (2). Last evaluated 2025-08-03.

Conditions:
Left ventricular noncompaction 8 (LVNC8). Identifiers: Orphanet 154, Orphanet 54260, MedGen C3809288, MONDO:0014152, OMIM 615373.

Allele frequency attached by ClinVar (database versions not stated): gnomAD exomes 0.00001; ExAC 0.00006.
gnomAD v4.1: 9 of 1,594,134 alleles (0.00056%); highest among the groups gnomAD compares: Middle Eastern, 0.018%; no homozygotes.

Submissions (2):

Labcorp Genetics (formerly Invitae), Labcorp
Classification: Likely benign for Left ventricular noncompaction 8. Last evaluated: 2025-08-03. Review status: criteria provided, single submitter. Criteria: Invitae Variant Classification Sherloc (09022015). Collection method: clinical testing. Allele origin: germline.

Laboratory for Molecular Medicine, Mass General Brigham Personalized Medicine
Classification: Likely benign. Last evaluated: 2015-04-01. Review status: criteria provided, single submitter. Criteria: LMM Criteria. Collection method: clinical testing. Allele origin: germline. Observed: 1 variant allele.
Comment: p.Thr219Thr in exon 5 of PRDM16: This variant is not expected to have clinical significance because it does not alter an amino acid residue and is not located within the splice consensus sequence. It has also been identified in 3/29286 Fin nish chromosomes by the Exome Aggregation Consortium (ExAC).

NM_022114.4(PRDM16):c.657A>C (p.Thr219=)

Gene: PRDM16 (PR/SET domain 16; plus strand). Cytogenetic location: 1p36.32.
Variant type: single nucleotide variant.
Coding change: c.657A>C on transcript NM_022114.4 (MANE Select); coding-DNA position 657, A replaced by C.
Protein change: p.Thr219=; no amino-acid change (threonine 219 retained).
Molecular consequence: synonymous variant.
Genome position (GRCh38, 1-based): chr1:3,396,574, A>C. VCF-style: chr1-3396574-A-C. GRCh37 (hg19) VCF-style: chr1-3313138-A-C.
Other names: c.657A>C, p.Thr219= (NM_199454.3).
Identifiers: ClinVar variation 227872 (VCV000227872.6), dbSNP rs777464880, ClinGen allele CA543900.
Genomic context (GRCh38, chr1:3,396,574, plus strand): 5'-CATTGAGCCAGGTGAGGAGCTGCTGGTGCACGTGAAGGAAGGCGTCTACCCCCTGGGCAC[A>C]GTGCCGCCCGGCCTGGACGGTAAGACCCCTCCCCCAAACCGGGCCACGGCCCCTGGGAGC-3'
Protein context (NP_071397.3, residues 209-229): HVKEGVYPLG[Thr219=]VPPGLDEEPT